The following is an entry in ClinVar:

NM_004974.4(KCNA2):c.1172G>A (p.Gly391Asp)

Gene: KCNA2 (potassium voltage-gated channel subfamily A member 2; minus strand). Cytogenetic location: 1p13.3.
Variant type: single nucleotide variant.
Coding change: c.1172G>A on transcript NM_004974.4 (MANE Select); coding-DNA position 1172, G replaced by A.
Protein change: p.Gly391Asp; replaces glycine 391 with aspartic acid.
Molecular consequence: missense variant. On other transcripts: intron variant (1).
Genome position (GRCh38, 1-based): chr1:110,603,611, C>T on the plus strand (G>A on the coding strand, the complement: KCNA2 is on the minus strand). VCF-style: chr1-110603611-C-T. GRCh37 (hg19) VCF-style: chr1-111146233-C-T.
Other names: c.894+278G>A (NM_001204269.2); short protein forms G391D.
Identifiers: ClinVar variation 3653994 (VCV003653994.2).

ClinVar aggregate classification (germline): Uncertain significance (1 of 4 stars; one submission).

Conditions:
Developmental and epileptic encephalopathy, 32 (DEE32). Also called: Epileptic encephalopathy, early infantile, 32. Identifiers: Orphanet 442835, MedGen C4225350, MONDO:0014607, OMIM 616366.

Submission:

Labcorp Genetics (formerly Invitae), Labcorp
Classification: Uncertain significance for Developmental and epileptic encephalopathy, 32. Last evaluated: 2024-05-21. Review status: criteria provided, single submitter. Criteria: Invitae Variant Classification Sherloc (09022015). Collection method: clinical testing. Allele origin: germline.
Comment: This sequence change replaces glycine, which is neutral and non-polar, with aspartic acid, which is acidic and polar, at codon 391 of the KCNA2 protein (p.Gly391Asp). This variant is not present in population databases (gnomAD no frequency). This variant has not been reported in the literature in individuals affected with KCNA2-related conditions. Advanced modeling of protein sequence and biophysical properties (such as structural, functional, and spatial information, amino acid conservation, physicochemical variation, residue mobility, and thermodynamic stability) performed at Invitae indicates that this missense variant is expected to disrupt KCNA2 protein function with a positive predictive value of 80%. Algorithms developed to predict the effect of sequence changes on RNA splicing suggest that this variant may create or strengthen a splice site. In summary, the available evidence is currently insufficient to determine the role of this variant in disease. Therefore, it has been classified as a Variant of Uncertain Significance.